The following is an entry in ClinVar:

ClinVar aggregate classification (germline): Uncertain significance (1 of 4 stars; one submission).

Submission:

GeneDx
Classification: Uncertain significance. Last evaluated: 2024-05-02. Review status: criteria provided, single submitter. Criteria: GeneDx Variant Classification Process June 2021. Collection method: clinical testing. Allele origin: germline. Affected: yes.
Comment: Not observed at significant frequency in large population cohorts (gnomAD); In silico analysis supports that this missense variant has a deleterious effect on protein structure/function; Has not been previously published as pathogenic or benign to our knowledge

NM_002470.4(MYH3):c.3722A>G (p.Lys1241Arg)

Gene: MYH3 (myosin heavy chain 3; minus strand). Cytogenetic location: 17p13.1.
Variant type: single nucleotide variant.
Coding change: c.3722A>G on transcript NM_002470.4 (MANE Select); coding-DNA position 3722, A replaced by G.
Protein change: p.Lys1241Arg; replaces lysine 1241 with arginine.
Molecular consequence: missense variant.
Genome position (GRCh38, 1-based): chr17:10,638,050, T>C on the plus strand (A>G on the coding strand, the complement: MYH3 is on the minus strand). VCF-style: chr17-10638050-T-C. GRCh37 (hg19) VCF-style: chr17-10541367-T-C.
Other names: short protein forms K1241R.
Identifiers: ClinVar variation 3375960 (VCV003375960.1).
Genomic context (GRCh38, chr17:10,638,050, plus strand): 5'-CCACGGAGTGTGTCTGATGGAAAGCCTTGAGCCACCCCCACCCCGCGCAGCACCTTAGAT[T>C]TCGACACACTCTCCATGCTGCTGGAGAGGTCATCGATCTCCAGCTTGAACTCGCTCTTCT-3'
Protein context (NP_002461.2, residues 1231-1251): DLSSSMESVS[Lys1241Arg]SKANLEKICR